The following is an entry in ClinVar:

ClinVar aggregate classification (germline): Pathogenic/Likely pathogenic. Review status: criteria provided, multiple submitters, no conflicts (2 of 4 stars). 9 submissions from 9 submitters: Pathogenic (2); Likely pathogenic (5). 2 of the submissions do not count toward it. Last evaluated 2026-08-18.

Conditions:
VPS13B-related disorder. Also called: VPS13B-related condition.
Cohen syndrome (COH1). Also called: PEPPER SYNDROME; Cutis verticis gyrata, retinitis pigmentosa, and sensorineural deafness. Identifiers: Orphanet 193, MedGen C0265223, MONDO:0008999, OMIM 216550.

Submissions (9):

Myriad Genetics, Inc.
Classification: Likely pathogenic for Cohen syndrome. Last evaluated: 2026-08-18. Review status: criteria provided, single submitter. Criteria: Myriad Autosomal Dominant, Autosomal Recessive and X-Linked Classification Criteria (2023). Collection method: clinical testing. Allele origin: unknown.
Comment: NM_017890.4(VPS13B):c.11907dupC(S3970Qfs*22) is a frameshift variant classified as likely pathogenic in the context of Cohen syndrome. S3970Qfs*22 has been observed in cases with relevant disease (PMID: 15141358, 16648375, 23352163, 30919572). Relevant functional assessments of this variant are not available in the literature. S3970Qfs*22 has been observed in referenced population frequency databases. In summary, NM_017890.4(VPS13B):c.11907dupC(S3970Qfs*22) is a frameshift variant that has been observed more frequently in cases with the relevant disease than in healthy populations. Please note: this variant was assessed in the context of healthy population screening.

Variantyx, Inc.
Classification: Likely pathogenic for Cohen syndrome. Last evaluated: 2025-09-09. Review status: criteria provided, single submitter. Criteria: Variantyx Assertion Criteria 2022. Collection method: clinical testing. Allele origin: germline. Inheritance: Autosomal recessive inheritance.
Comment: This is a frameshift variant in the VPS13B gene (OMIM: 607817). Pathogenic variants in this gene have been associated with autosomal recessive Cohen syndrome. This variant introduces a premature termination codon in exon 62 out of 62 and is expected to result in loss of function, which is a known disease mechanism for VPS13B in this disorder (PMID: 15141358, 16648375, 20461111) (PVS1). This variant has been reported in the homozygous or compound heterozygous state in at least one affected individual (PMID:16648375) and has a 0.0121% maximum allele frequency in non-founder control populations (PM2). Based on the current evidence, this variant is classified as likely pathogenic for autosomal recessive Cohen syndrome.

GeneDx
Classification: Pathogenic. Last evaluated: 2024-11-26. Review status: criteria provided, single submitter. Criteria: GeneDx Variant Classification Process June 2021. Collection method: clinical testing. Allele origin: germline. Affected: yes.
Comment: Frameshift variant predicted to result in protein truncation, as the last 53 amino acids are replaced with 21 different amino acids, and other similar variants have been reported in HGMD; Not observed at significant frequency in large population cohorts (gnomAD); This variant is associated with the following publications: (PMID: 19006247, 15141358, 23352163, 16648375)

Natera, Inc.
Classification: Likely pathogenic for Cohen syndrome. Last evaluated: 2024-08-08. Review status: criteria provided, single submitter. Criteria: Natera Variant Classification Schema (03/2026). Collection method: clinical testing. Allele origin: germline.
Comment: The c.11907dupC variant in VPS13B is a frameshift variant predicted to shift the reading frame beginning at codon 3970 and leads to a stop codon 22 codons downstream. This variant may result in a truncated or dysfunctional protein product. This variant is rare in the general population with a frequency below the threshold expected for the associated phenotype(s). This variant has been observed in one or more individuals affected with the associated recessive disease, as either homozygous or compound heterozygous with a second variant (PMID: 16648375). Given the available evidence, this variant is classified as Likely Pathogenic.

Labcorp Genetics (formerly Invitae), Labcorp
Classification: Pathogenic for Cohen syndrome. Last evaluated: 2024-02-13. Review status: criteria provided, single submitter. Criteria: Invitae Variant Classification Sherloc (09022015). Collection method: clinical testing. Allele origin: germline.
Comment: This sequence change creates a premature translational stop signal (p.Ser3970Glnfs*22) in the VPS13B gene. While this is not anticipated to result in nonsense mediated decay, it is expected to disrupt the last 53 amino acid(s) of the VPS13B protein. This variant is present in population databases (rs749120462, gnomAD 0.01%). This premature translational stop signal has been observed in individual(s) with Cohen syndrome (PMID: 15141358, 16648375). In at least one individual the data is consistent with being in trans (on the opposite chromosome) from a pathogenic variant. ClinVar contains an entry for this variant (Variation ID: 56644). This variant disrupts a region of the VPS13B protein in which other variant(s) (p.Lys3991Leufs*23) have been determined to be pathogenic (Invitae). This suggests that this is a clinically significant region of the protein, and that variants that disrupt it are likely to be disease-causing. For these reasons, this variant has been classified as Pathogenic.

Blueprint Genetics
Classification: Likely pathogenic for VPS13B-related disorders. Last evaluated: 2022-08-09. Review status: criteria provided, single submitter. Criteria: ACMG Guidelines, 2015. Collection method: clinical testing. Allele origin: germline. Affected: yes. Observed: 3 variant alleles.

Molecular Diagnostics Laboratory, M Health Fairview: University of Minnesota
Classification: Likely pathogenic for Cohen syndrome. Last evaluated: 2019-07-25. Review status: criteria provided, single submitter. Criteria: ACMG Guidelines, 2015. Collection method: clinical testing. Allele origin: germline. Affected: yes. Observed: 1 variant allele.

Juha Muilu Group; Institute for Molecular Medicine Finland (FIMM)
Classification: Likely pathogenic for Cohen syndrome. Review status: no assertion criteria provided. Collection method: not provided. Allele origin: unknown. Not counted in ClinVar's aggregate classification.
Comment: FinDis database variant: This variant was not found or characterized by our laboratory, data were collected from public sources: see reference
ClinVar note: Converted during submission from probable-pathogenic to Likely pathogenic.

SNPedia
Classification: Pathogenic. Review status: no assertion criteria provided. Collection method: not provided. Allele origin: germline. Not counted in ClinVar's aggregate classification.
ClinVar note: Converted during submission from pathogenic to Pathogenic.

Literature cited by the submitters: PubMed 15141358 (cited by 3 submitters); PubMed 16648375 (cited by 4 submitters); PubMed 23352163 (cited by Myriad Genetics, Inc.); PubMed 30919572 (cited by Myriad Genetics, Inc.).

NM_152564.5(VPS13B):c.11832dup (p.Ser3945fs)

Gene: VPS13B (vacuolar protein sorting 13 homolog B; plus strand). Cytogenetic location: 8q22.2.
Variant type: Duplication.
Coding change: c.11832dup on transcript NM_152564.5 (MANE Select); coding-DNA position 11832, one base duplicated (C; older notation c.11832dupC).
Protein change: p.Ser3945fs; shifts the reading frame from serine 3945.
Molecular consequence: frameshift variant.
Genome position (GRCh38, 1-based): chr8:99,875,504, C duplicated; the last of 5 consecutive C bases (chr8:99,875,500-99,875,504); duplicating any one gives the same sequence. VCF-style (leftmost placement, unchanged base first): chr8-99875499-G-GC. GRCh37 (hg19) VCF-style: chr8-100887727-G-GC.
Other names: c.11907dupC (NM_017890.3, NM_017890.4); c.11907dup, p.Ser3970fs (NM_017890.5); c.11907dup (NM_017890.3); short protein forms S3945fs, S3970fs.
Identifiers: ClinVar variation 56644 (VCV000056644.11), dbSNP rs180177374, ClinGen allele CA264024.